The following is an entry in ClinVar:

ClinVar aggregate classification (germline): Conflicting classifications of pathogenicity. Review status: criteria provided, conflicting classifications (1 of 4 stars). 3 submissions from 3 submitters: Uncertain significance (1); Likely benign (1). 1 of the submissions does not count toward it. Last evaluated 2026-03-15.

Conditions:
POLG2-related disorder. Also called: POLG2-related condition; POLG2-related disorders.

Allele frequency attached by ClinVar (database versions not stated): gnomAD exomes 0.00004 and 0.00014; ExAC 0.00005; TOPMed 0.00006; gnomAD 0.00009; ESP Exome Variant Server 0.00023.
gnomAD v4.1: 212 of 1,584,228 alleles (0.013%); highest among the groups gnomAD compares: East Asian, 0.43%; 1 homozygote.

Submissions (3):

GeneDx
Classification: Uncertain significance. Last evaluated: 2026-03-15. Review status: criteria provided, single submitter. Criteria: GeneDx Variant Classification Process June 2021. Collection method: clinical testing. Allele origin: germline.
Comment: In silico analysis suggests that this variant does not alter splicing; Has not been previously published as pathogenic or benign to our knowledge

Labcorp Genetics (formerly Invitae), Labcorp
Classification: Likely benign. Last evaluated: 2025-08-04. Review status: criteria provided, single submitter. Criteria: Invitae Variant Classification Sherloc (09022015). Collection method: clinical testing. Allele origin: germline.

PreventionGenetics, part of Exact Sciences
Classification: Likely benign for POLG2-related condition. Last evaluated: 2020-08-03. Review status: no assertion criteria provided. Collection method: clinical testing. Allele origin: germline. Not counted in ClinVar's aggregate classification.
Comment: This variant is classified as likely benign based on ACMG/AMP sequence variant interpretation guidelines (Richards et al. 2015 PMID: 25741868, with internal and published modifications).

NM_007215.4(POLG2):c.541C>T (p.Leu181=)

Genes: POLG2 (DNA polymerase gamma 2, accessory subunit; minus strand), MILR1 (mast cell immunoglobulin like receptor 1; plus strand). Cytogenetic location: 17q23.3.
Variant type: single nucleotide variant.
Coding change: c.541C>T on transcript NM_007215.4 (MANE Select); coding-DNA position 541, C replaced by T.
Protein change: p.Leu181=; no amino-acid change (leucine 181 retained).
Molecular consequence: synonymous variant.
Genome position (GRCh38, 1-based): chr17:64,496,428, G>A on the plus strand (C>T on the coding strand, the complement: POLG2 is on the minus strand). VCF-style: chr17-64496428-G-A. GRCh37 (hg19) VCF-style: chr17-62492546-G-A.
Identifiers: ClinVar variation 793454 (VCV000793454.11), dbSNP rs143296241, ClinGen allele CA8713007.
Genomic context (GRCh38, chr17:64,496,428, plus strand): 5'-CCCGACACCTGTTTTGAAGCATGAAATCGTGAAGCATACCGTGAAGAAGGTTCTCCCGTA[G>A]TTTCCCAGAAGTTTTTAATACGTTCTCAAGAAATGCTACTAGCTGTTCCTTACTCAGCTC-3'
Protein context (NP_009146.2, residues 171-191): LENVLKTSGK[Leu181=]RENLLHGALE